The following is an entry in ClinVar:

NM_080473.5(GATA5):c.823G>A (p.Gly275Arg)

Gene: GATA5 (GATA binding protein 5; minus strand). Cytogenetic location: 20q13.33.
Variant type: single nucleotide variant.
Coding change: c.823G>A on transcript NM_080473.5 (MANE Select); coding-DNA position 823, G replaced by A.
Protein change: p.Gly275Arg; replaces glycine 275 with arginine.
Molecular consequence: missense variant.
Genome position (GRCh38, 1-based): chr20:62,466,428, C>T on the plus strand (G>A on the coding strand, the complement: GATA5 is on the minus strand). VCF-style: chr20-62466428-C-T. GRCh37 (hg19) VCF-style: chr20-61041484-C-T.
Other names: c.823G>A (NM_080473.4); short protein forms G275R.
Identifiers: ClinVar variation 2421907 (VCV002421907.7), dbSNP rs552849600, ClinGen allele CA9946189.

ClinVar aggregate classification (germline): Uncertain significance. Review status: criteria provided, multiple submitters, no conflicts (2 of 4 stars). 2 submissions from 2 submitters: Uncertain significance (2). Last evaluated 2026-01-27.

Allele frequency attached by ClinVar (database versions not stated): gnomAD 0.00004; 1000 Genomes Project 30x 0.00016; 1000 Genomes Project 0.00020.
gnomAD v4.1: 31 of 1,584,312 alleles (0.002%); highest among the groups gnomAD compares: Middle Eastern, 0.034%; no homozygotes.

Submissions (2):

Labcorp Genetics (formerly Invitae), Labcorp
Classification: Uncertain significance. Last evaluated: 2026-01-27. Review status: criteria provided, single submitter. Criteria: Invitae Variant Classification Sherloc (09022015). Collection method: clinical testing. Allele origin: germline.
Comment: This sequence change replaces glycine, which is neutral and non-polar, with arginine, which is basic and polar, at codon 275 of the GATA5 protein (p.Gly275Arg). This variant is present in population databases (rs552849600, gnomAD 0.01%). This variant has not been reported in the literature in individuals affected with GATA5-related conditions. ClinVar contains an entry for this variant (Variation ID: 2421907). An algorithm developed to predict the effect of missense changes on protein structure and function (PolyPhen-2) suggests that this variant is likely to be disruptive. In summary, the available evidence is currently insufficient to determine the role of this variant in disease. Therefore, it has been classified as a Variant of Uncertain Significance.

Ambry Genetics
Classification: Uncertain significance. Last evaluated: 2025-10-23. Review status: criteria provided, single submitter. Criteria: Ambry Variant Classification Scheme 2023. Collection method: clinical testing. Allele origin: germline.